The following is an entry in ClinVar:

NM_001330360.2(POLA1):c.1214A>G (p.Asn405Ser)

Gene: POLA1 (DNA polymerase alpha 1, catalytic subunit; plus strand). Cytogenetic location: Xp22.11.
Variant type: single nucleotide variant.
Coding change: c.1214A>G on transcript NM_001330360.2 (MANE Select); coding-DNA position 1214, A replaced by G.
Protein change: p.Asn405Ser; replaces asparagine 405 with serine.
Molecular consequence: missense variant. On other transcripts: non-coding transcript variant (2).
Genome position (GRCh38, 1-based): chrX:24,724,348, A>G. VCF-style: chrX-24724348-A-G. GRCh37 (hg19) VCF-style: chrX-24742465-A-G.
Other names: c.1214A>G, p.Asn405Ser (NM_001378303.1); c.1196A>G, p.Asn399Ser (NM_016937.4); short protein forms N399S, N405S.
Identifiers: ClinVar variation 1461641 (VCV001461641.5), dbSNP rs2148358082, ClinGen allele CA412532171.

ClinVar aggregate classification (germline): Uncertain significance. Review status: criteria provided, multiple submitters, no conflicts (2 of 4 stars). 2 submissions from 2 submitters: Uncertain significance (2). Last evaluated 2025-08-28.

gnomAD v4.1: 1 of 1,098,883 alleles (0.000091%); highest among the groups gnomAD compares: Admixed American, 0.0023%; no homozygotes.

Submissions (2):

Dasa
Classification: Uncertain significance. Last evaluated: 2025-08-28. Review status: criteria provided, single submitter. Criteria: DASA Assertion Criteria. Collection method: clinical testing. Allele origin: germline.
Comment: NM_001330360.2(POLA1):c.1214A>G (p.Asn405Ser) is a missense variant that results in the substitution of asparagine with serine. This variant is rare in population databases. Computational prediction algorithms are consistent with a benign effect. The currently available literature and clinical evidence are not sufficient to establish a definitive association between this variant and the reported condition. Therefore, this variant is classified as a variant of uncertain significance.

Labcorp Genetics (formerly Invitae), Labcorp
Classification: Uncertain significance. Last evaluated: 2021-09-01. Review status: criteria provided, single submitter. Criteria: Invitae Variant Classification Sherloc (09022015). Collection method: clinical testing. Allele origin: germline.